The following is an entry in ClinVar:

NM_001184.4(ATR):c.7375C>A (p.Arg2459Ser)

Gene: ATR (ATR checkpoint kinase; minus strand). Cytogenetic location: 3q23.
Variant type: single nucleotide variant.
Coding change: c.7375C>A on transcript NM_001184.4 (MANE Select); coding-DNA position 7375, C replaced by A.
Protein change: p.Arg2459Ser; replaces arginine 2459 with serine.
Molecular consequence: missense variant.
Genome position (GRCh38, 1-based): chr3:142,459,086, G>T on the plus strand (C>A on the coding strand, the complement: ATR is on the minus strand). VCF-style: chr3-142459086-G-T. GRCh37 (hg19) VCF-style: chr3-142177928-G-T.
Other names: c.7183C>A, p.Arg2395Ser (NM_001354579.2); short protein forms R2395S, R2459S.
Identifiers: ClinVar variation 1758586 (VCV001758586.2), dbSNP rs762621866, ClinGen allele CA354796287.

ClinVar aggregate classification (germline): Uncertain significance (1 of 4 stars; one submission).

Conditions:
Inborn genetic diseases. Identifiers: MedGen C0950123, MeSH D030342.

Submission:

Ambry Genetics
Classification: Uncertain significance for Inborn genetic diseases. Last evaluated: 2021-10-06. Review status: criteria provided, single submitter. Criteria: Ambry Variant Classification Scheme 2023. Collection method: clinical testing. Allele origin: germline.
Comment: The p.R2459S variant (also known as c.7375C>A), located in coding exon 44 of the ATR gene, results from a C to A substitution at nucleotide position 7375. The arginine at codon 2459 is replaced by serine, an amino acid with dissimilar properties. This amino acid position is conserved. In addition, this alteration is predicted to be deleterious by in silico analysis. Since supporting evidence is limited at this time, the clinical significance of this alteration remains unclear.